The following is an entry in ClinVar:

NM_001384732.1(CPLANE1):c.8224C>G (p.Pro2742Ala)

Gene: CPLANE1 (ciliogenesis and planar polarity effector complex subunit 1; minus strand). Cytogenetic location: 5p13.2.
Variant type: single nucleotide variant.
Coding change: c.8224C>G on transcript NM_001384732.1 (MANE Select); coding-DNA position 8224, C replaced by G.
Protein change: p.Pro2742Ala; replaces proline 2742 with alanine.
Molecular consequence: missense variant.
Genome position (GRCh38, 1-based): chr5:37,153,889, G>C on the plus strand (C>G on the coding strand, the complement: CPLANE1 is on the minus strand). VCF-style: chr5-37153889-G-C. GRCh37 (hg19) VCF-style: chr5-37153991-G-C.
Other names: c.8062C>G, p.Pro2688Ala (NM_023073.4); short protein forms P2688A, P2742A.
Identifiers: ClinVar variation 2420496 (VCV002420496.2), dbSNP rs2547282333, ClinGen allele CA359474070.

ClinVar aggregate classification (germline): Uncertain significance (1 of 4 stars; one submission).

Submission:

Labcorp Genetics (formerly Invitae), Labcorp
Classification: Uncertain significance. Last evaluated: 2022-06-29. Review status: criteria provided, single submitter. Criteria: Invitae Variant Classification Sherloc (09022015). Collection method: clinical testing. Allele origin: germline.
Comment: This sequence change replaces proline, which is neutral and non-polar, with alanine, which is neutral and non-polar, at codon 2688 of the CPLANE1 protein (p.Pro2688Ala). This variant is not present in population databases (gnomAD no frequency). This variant has not been reported in the literature in individuals affected with CPLANE1-related conditions. Advanced modeling of protein sequence and biophysical properties (such as structural, functional, and spatial information, amino acid conservation, physicochemical variation, residue mobility, and thermodynamic stability) performed at Invitae indicates that this missense variant is not expected to disrupt CPLANE1 protein function. In summary, the available evidence is currently insufficient to determine the role of this variant in disease. Therefore, it has been classified as a Variant of Uncertain Significance.